The following is an entry in ClinVar:

ClinVar aggregate classification (germline): Uncertain significance (1 of 4 stars; one submission).

Conditions:
Singleton-Merten syndrome 1 (SGMRT1). Also called: Widened medullary cavities of bone, aortic calcification, abnormal dentition, and muscular weakness; Syndrome of widened medullary cavities of the metacarpals and phalanges, aortic calcification and abnormal dentition. Identifiers: Orphanet 85191, MedGen C4225427, MONDO:0024535, OMIM 182250.
Aicardi-Goutieres syndrome 7 (AGS7). Identifiers: Orphanet 51, MedGen C3888244, MONDO:0014367, OMIM 615846.

Allele frequency attached by ClinVar (database versions not stated): gnomAD exomes below 0.00001.
gnomAD v4.1: 1 of 1,614,142 alleles (0.000062%); highest among the groups gnomAD compares: Non-Finnish European, 0.000085%; no homozygotes.

Submission:

Labcorp Genetics (formerly Invitae), Labcorp
Classification: Uncertain significance for Aicardi-Goutieres syndrome 7; Singleton-Merten syndrome 1. Last evaluated: 2024-01-01. Review status: criteria provided, single submitter. Criteria: Invitae Variant Classification Sherloc (09022015). Collection method: clinical testing. Allele origin: germline.
Comment: This sequence change replaces glutamine, which is neutral and polar, with histidine, which is basic and polar, at codon 122 of the IFIH1 protein (p.Gln122His). This variant is not present in population databases (gnomAD no frequency). This variant has not been reported in the literature in individuals affected with IFIH1-related conditions. Advanced modeling of protein sequence and biophysical properties (such as structural, functional, and spatial information, amino acid conservation, physicochemical variation, residue mobility, and thermodynamic stability) has been performed at Invitae for this missense variant, however the output from this modeling did not meet the statistical confidence thresholds required to predict the impact of this variant on IFIH1 protein function. In summary, the available evidence is currently insufficient to determine the role of this variant in disease. Therefore, it has been classified as a Variant of Uncertain Significance.

NM_022168.4(IFIH1):c.366G>T (p.Gln122His)

Gene: IFIH1 (interferon induced with helicase C domain 1; minus strand). Cytogenetic location: 2q24.2.
Variant type: single nucleotide variant.
Coding change: c.366G>T on transcript NM_022168.4 (MANE Select); coding-DNA position 366, G replaced by T.
Protein change: p.Gln122His; replaces glutamine 122 with histidine.
Molecular consequence: missense variant.
Genome position (GRCh38, 1-based): chr2:162,317,942, C>A on the plus strand (G>T on the coding strand, the complement: IFIH1 is on the minus strand). VCF-style: chr2-162317942-C-A. GRCh37 (hg19) VCF-style: chr2-163174452-C-A.
Other names: short protein forms Q122H.
Identifiers: ClinVar variation 2939097 (VCV002939097.3), dbSNP rs1683538180, ClinGen allele CA349013522.